The following is an entry in ClinVar:

NM_015295.3(SMCHD1):c.4226G>A (p.Arg1409His)

Gene: SMCHD1 (structural maintenance of chromosomes flexible hinge domain containing 1; plus strand). Cytogenetic location: 18p11.32.
Variant type: single nucleotide variant.
Coding change: c.4226G>A on transcript NM_015295.3 (MANE Select); coding-DNA position 4226, G replaced by A.
Protein change: p.Arg1409His; replaces arginine 1409 with histidine.
Molecular consequence: missense variant.
Genome position (GRCh38, 1-based): chr18:2,751,338, G>A. VCF-style: chr18-2751338-G-A. GRCh37 (hg19) VCF-style: chr18-2751336-G-A.
Other names: c.4226G>A (NM_015295.2); short protein forms R1409H.
Identifiers: ClinVar variation 594913 (VCV000594913.12), dbSNP rs746741499, ClinGen allele CA8871417.

ClinVar aggregate classification (germline): Uncertain significance. Review status: criteria provided, multiple submitters, no conflicts (2 of 4 stars). 3 submissions from 3 submitters: Uncertain significance (3). Last evaluated 2025-10-08.

Conditions:
Facioscapulohumeral muscular dystrophy 2 (FSHD2). Also called: MUSCULAR DYSTROPHY, FACIOSCAPULOHUMERAL, TYPE 1B; FACIOSCAPULOHUMERAL MUSCULAR DYSTROPHY 2, DIGENIC; FSHD2, DIGENIC. Identifiers: Orphanet 269, MedGen C1834671, MONDO:0008031, OMIM 158901.

Allele frequency attached by ClinVar (database versions not stated): gnomAD 0.00001; TOPMed 0.00001; gnomAD exomes 0.00002; ExAC 0.00004.
gnomAD v4.1: 22 of 1,580,232 alleles (0.0014%); highest among the groups gnomAD compares: South Asian, 0.0035%; no homozygotes.

Submissions (3):

Labcorp Genetics (formerly Invitae), Labcorp
Classification: Uncertain significance for Facioscapulohumeral muscular dystrophy 2. Last evaluated: 2025-10-08. Review status: criteria provided, single submitter. Criteria: Invitae Variant Classification Sherloc (09022015). Collection method: clinical testing. Allele origin: germline.
Comment: This sequence change replaces arginine, which is basic and polar, with histidine, which is basic and polar, at codon 1409 of the SMCHD1 protein (p.Arg1409His). This variant is present in population databases (rs746741499, gnomAD 0.005%). This variant has not been reported in the literature in individuals affected with SMCHD1-related conditions. ClinVar contains an entry for this variant (Variation ID: 594913). Invitae Evidence Modeling of protein sequence and biophysical properties (such as structural, functional, and spatial information, amino acid conservation, physicochemical variation, residue mobility, and thermodynamic stability) indicates that this missense variant is not expected to disrupt SMCHD1 protein function with a negative predictive value of 80%. In summary, the available evidence is currently insufficient to determine the role of this variant in disease. Therefore, it has been classified as a Variant of Uncertain Significance.

Revvity Omics, Revvity
Classification: Uncertain significance. Last evaluated: 2022-08-02. Review status: criteria provided, single submitter. Criteria: ACMG Guidelines, 2015. Collection method: clinical testing. Allele origin: germline.

Eurofins Ntd Llc (ga)
Classification: Uncertain significance. Last evaluated: 2017-11-15. Review status: criteria provided, single submitter. Criteria: EGL Classification Definitions 2015. Collection method: clinical testing. Allele origin: germline. Observed: 1 variant allele, 1 heterozygote.